The following is an entry in ClinVar:

NC_000019.10:g.17838268_17838271delinsGTCA

Gene: JAK3 (Janus kinase 3; minus strand). Cytogenetic location: 19p13.11.
Variant type: Indel.
Genome position: GRCh38 VCF-style: chr19-17838268-CCAG-GTCA. GRCh37 (hg19) VCF-style: chr19-17949077-CCAG-GTCA.
Other names: c.1561_1564delinsTGAC, p.Leu521_Glu522delinsTer (LRG_77t1).
Identifiers: ClinVar variation 567299 (VCV000567299.6), dbSNP rs1568404443, ClinGen allele CA891843603.
Genomic context (GRCh38, chr19:17,838,268, plus strand): 5'-TCTGAGTCTCTGGACCCCAGACTGAGGTATCGCCTCATTTCCCAGGGCCTCTTACCCACT[CCAG>GTCA]GCTGTCAGCAGGGATCTTGTGAAATGTCATCTGACTCAGCTGGTATTGGGATTGGGGCTG-3'

ClinVar aggregate classification (germline): Pathogenic (1 of 4 stars; one submission).

Conditions:
T-B+ severe combined immunodeficiency due to JAK3 deficiency. Also called: SCID, autosomal recessive, T-negative/B-positive type; SCID, T CELL-NEGATIVE, B CELL-POSITIVE, NK CELL-NEGATIVE. Identifiers: Orphanet 35078, MedGen C1833275, MONDO:0010938, OMIM 600802.

Submission:

Labcorp Genetics (formerly Invitae), Labcorp
Classification: Pathogenic for T-B+ severe combined immunodeficiency due to JAK3 deficiency. Last evaluated: 2018-08-01. Review status: criteria provided, single submitter. Criteria: Invitae Variant Classification Sherloc (09022015). Collection method: clinical testing. Allele origin: germline.
Comment: This variant has not been reported in the literature in individuals with JAK3-related disease. This variant is not present in population databases (ExAC no frequency). This sequence change creates a premature translational stop signal (p.Leu521*) in the JAK3 gene. It is expected to result in an absent or disrupted protein product. Loss-of-function variants in JAK3 are known to be pathogenic (PMID: 7481768, 11668621). For these reasons, this variant has been classified as Pathogenic.

Literature cited by the submitters: PubMed 7481768; PubMed 11668621.